The following is an entry in ClinVar:

NM_006231.4(POLE):c.1994G>A (p.Arg665Gln)

Gene: POLE (DNA polymerase epsilon, catalytic subunit; minus strand). Cytogenetic location: 12q24.33.
Variant type: single nucleotide variant.
Coding change: c.1994G>A on transcript NM_006231.4 (MANE Select); coding-DNA position 1994, G replaced by A.
Protein change: p.Arg665Gln; replaces arginine 665 with glutamine.
Molecular consequence: missense variant.
Genome position (GRCh38, 1-based): chr12:132,668,667, C>T on the plus strand (G>A on the coding strand, the complement: POLE is on the minus strand). VCF-style: chr12-132668667-C-T. GRCh37 (hg19) VCF-style: chr12-133245253-C-T.
Other names: c.1994G>A (NM_006231.2); short protein forms R665Q.
Identifiers: ClinVar variation 567580 (VCV000567580.11), dbSNP rs772211212, ClinGen allele CA6893741.
Genomic context (GRCh38, chr12:132,668,667, plus strand): 5'-AGTGCCCACCCAGGCGGCCGACACTCACTGAACTCGCCCCTCCACTGCCAGGCCATCTTC[C>T]GCTGGCAGTTTGCTCCAGGCTTATTGAAGTCACAGGCAGCACAGGTGGCTTCGTCCACCA-3'
Protein context (NP_006222.2, residues 655-675): DFNKPGANCQ[Arg665Gln]KMAWQWRGEF

ClinVar aggregate classification (germline): Uncertain significance. Review status: criteria provided, multiple submitters, no conflicts (2 of 4 stars). 2 submissions from 2 submitters: Uncertain significance (2). Last evaluated 2025-10-19.

Conditions:
Colorectal cancer, susceptibility to, 12 (CRCS12). Also called: COLORECTAL CANCER, SUSCEPTIBILITY TO, ON CHROMOSOME 12q24. Identifiers: Orphanet 220460, MedGen C3554460, MONDO:0014038, OMIM 615083.
Facial dysmorphism-immunodeficiency-livedo-short stature syndrome. Also called: Facial dysmorphism, immunodeficiency, livedo, and short stature; FILS syndrome. Identifiers: Orphanet 352712, MedGen C3554576, MONDO:0014058, OMIM 615139.
Hereditary cancer-predisposing syndrome. Also called: Neoplastic Syndromes, Hereditary; Tumor predisposition; Hereditary neoplastic syndrome; Hereditary Cancer Syndrome. Identifiers: Orphanet 140162, MedGen C0027672, MeSH D009386, MONDO:0015356.

Allele frequency attached by ClinVar (database versions not stated): gnomAD exomes 0.00001 and 0.00002; TOPMed 0.00002; ExAC 0.00003.
gnomAD v4.1: 9 of 1,613,700 alleles (0.00056%); highest among the groups gnomAD compares: Admixed American, 0.01%; no homozygotes.

Submissions (2):

Labcorp Genetics (formerly Invitae), Labcorp
Classification: Uncertain significance. Last evaluated: 2025-10-19. Review status: criteria provided, single submitter. Criteria: Invitae Variant Classification Sherloc (09022015). Collection method: clinical testing. Allele origin: germline.
Comment: This sequence change replaces arginine, which is basic and polar, with glutamine, which is neutral and polar, at codon 665 of the POLE protein (p.Arg665Gln). This variant is present in population databases (rs772211212, gnomAD 0.01%). This variant has not been reported in the literature in individuals affected with POLE-related conditions. ClinVar contains an entry for this variant (Variation ID: 567580). Invitae Evidence Modeling of protein sequence and biophysical properties (such as structural, functional, and spatial information, amino acid conservation, physicochemical variation, residue mobility, and thermodynamic stability) indicates that this missense variant is expected to disrupt POLE protein function with a positive predictive value of 80%. In summary, the available evidence is currently insufficient to determine the role of this variant in disease. Therefore, it has been classified as a Variant of Uncertain Significance.

Ambry Genetics
Classification: Uncertain significance for Hereditary cancer-predisposing syndrome. Last evaluated: 2025-01-27. Review status: criteria provided, single submitter. Criteria: Ambry Variant Classification Scheme 2023. Collection method: clinical testing. Allele origin: germline.
Comment: The p.R665Q variant (also known as c.1994G>A), located in coding exon 18 of the POLE gene, results from a G to A substitution at nucleotide position 1994. The arginine at codon 665 is replaced by glutamine, an amino acid with highly similar properties. This amino acid position is highly conserved in available vertebrate species. In addition, the in silico prediction for this alteration is inconclusive. Based on the available evidence, the clinical significance of this variant remains unclear.